The following is an entry in ClinVar:

NM_004104.5(FASN):c.2899A>G (p.Arg967Gly)

Gene: FASN (fatty acid synthase; minus strand). Cytogenetic location: 17q25.3.
Variant type: single nucleotide variant.
Coding change: c.2899A>G on transcript NM_004104.5 (MANE Select); coding-DNA position 2899, A replaced by G.
Protein change: p.Arg967Gly; replaces arginine 967 with glycine.
Molecular consequence: missense variant.
Genome position (GRCh38, 1-based): chr17:82,087,829, T>C on the plus strand (A>G on the coding strand, the complement: FASN is on the minus strand). VCF-style: chr17-82087829-T-C. GRCh37 (hg19) VCF-style: chr17-80045705-T-C.
Other names: short protein forms R967G.
Identifiers: ClinVar variation 1719806 (VCV001719806.5), dbSNP rs936284030, ClinGen allele CA401555514.

ClinVar aggregate classification (germline): Uncertain significance (1 of 4 stars; one submission).

Conditions:
Epileptic encephalopathy. Identifiers: MedGen C0543888, HP:0200134.

Submission:

Labcorp Genetics (formerly Invitae), Labcorp
Classification: Uncertain significance for Epileptic encephalopathy. Last evaluated: 2022-09-19. Review status: criteria provided, single submitter. Criteria: Invitae Variant Classification Sherloc (09022015). Collection method: clinical testing. Allele origin: germline.
Comment: In summary, the available evidence is currently insufficient to determine the role of this variant in disease. Therefore, it has been classified as a Variant of Uncertain Significance. Algorithms developed to predict the effect of missense changes on protein structure and function (SIFT, PolyPhen-2, Align-GVGD) all suggest that this variant is likely to be tolerated. This variant has not been reported in the literature in individuals affected with FASN-related conditions. This variant is not present in population databases (gnomAD no frequency). This sequence change replaces arginine, which is basic and polar, with glycine, which is neutral and non-polar, at codon 967 of the FASN protein (p.Arg967Gly).